The following is an entry in ClinVar:

NM_001378120.1(MBD5):c.677C>T (p.Ser226Leu)

Gene: MBD5 (methyl-CpG binding domain protein 5; plus strand). Cytogenetic location: 2q23.1.
Variant type: single nucleotide variant.
Coding change: c.677C>T on transcript NM_001378120.1 (MANE Select); coding-DNA position 677, C replaced by T.
Protein change: p.Ser226Leu; replaces serine 226 with leucine.
Molecular consequence: missense variant.
Genome position (GRCh38, 1-based): chr2:148,468,620, C>T. VCF-style: chr2-148468620-C-T. GRCh37 (hg19) VCF-style: chr2-149226189-C-T.
Other names: c.677C>T, p.Ser226Leu (NM_018328.5); short protein forms S226L.
Identifiers: ClinVar variation 1339027 (VCV001339027.2), dbSNP rs1680672960, ClinGen allele CA348717382.

ClinVar aggregate classification (germline): Uncertain significance (1 of 4 stars; one submission).

Conditions:
Intellectual developmental disorder, autosomal dominant 1. Also called: Intellectual disability, autosomal dominant 1; MBD5 Haploinsufficiency. Identifiers: Orphanet 228402, MedGen C1969562, MONDO:0007974, OMIM 156200.

Allele frequency attached by ClinVar (database versions not stated): gnomAD 0.00001; TOPMed below 0.00001.
gnomAD v4.1: 1 of 1,613,812 alleles (0.000062%); highest among the groups gnomAD compares: Non-Finnish European, 0.000085%; no homozygotes.

Submission:

Neuberg Centre For Genomic Medicine, NCGM
Classification: Uncertain significance for Intellectual developmental disorder, autosomal dominant 1. Review status: criteria provided, single submitter. Criteria: ACMG Guidelines, 2015. Collection method: clinical testing. Allele origin: germline. Affected: yes.
Comment: The missense variant p.S226L in MBD5 (NM_018328.5) has not been reported previously as a pathogenic variant nor as a benign variant, to our knowledge. The p.S226L variant is novel (not in any individuals) in gnomAD Exomes and is novel (not in any individuals) in 1000 Genomes. There is a large physicochemical difference between serine and leucine, which is likely to impact secondary protein structure as these residues differ in polarity, charge, size and/or other properties. The p.S226L missense variant is predicted to be damaging by both SIFT and PolyPhen2. The serine residue at codon 226 of MBD5 is conserved in all mammalian species. The nucleotide c.677 in MBD5 is predicted conserved by GERP++ and PhyloP across 100 vertebrates. All reported disease causing variants have been loss of function type. A high rate of missense mutations hav been observed in the gnomAD database. For these reasons, this variant has been classified as Uncertain Significance.